The following is an entry in ClinVar:

ClinVar aggregate classification (germline): Likely pathogenic (1 of 4 stars; one submission).

Conditions:
Retinitis pigmentosa 12 (RP12). Also called: RP WITH OR WITHOUT PRESERVED PARAARTERIOLE RETINAL PIGMENT EPITHELIUM; RETINITIS PIGMENTOSA WITH OR WITHOUT PARAARTERIOLAR PRESERVATION OF RETINAL PIGMENT EPITHELIUM; RP WITH OR WITHOUT PPRPE. Identifiers: Orphanet 791, MedGen C1838647, MONDO:0010818, OMIM 600105.
Leber congenital amaurosis 8 (LCA8). Identifiers: Orphanet 65, MedGen C3151202, MONDO:0013453, OMIM 613835.

Submission:

Labcorp Genetics (formerly Invitae), Labcorp
Classification: Likely pathogenic for Leber congenital amaurosis 8; Retinitis pigmentosa 12. Last evaluated: 2023-01-16. Review status: criteria provided, single submitter. Criteria: Invitae Variant Classification Sherloc (09022015). Collection method: clinical testing. Allele origin: germline.
Comment: In summary, the currently available evidence indicates that the variant is pathogenic, but additional data are needed to prove that conclusively. Therefore, this variant has been classified as Likely Pathogenic. This variant has been observed in individual(s) with retinitis pigmentosa (PMID: 28460491, 33342761). In at least one individual the data is consistent with being in trans (on the opposite chromosome) from a pathogenic variant. It has also been observed to segregate with disease in related individuals. This variant is not present in population databases (gnomAD no frequency). This variant, c.1055_1063del, results in the deletion of 3 amino acid(s) of the CRB1 protein (p.Gly352_Cys354del), but otherwise preserves the integrity of the reading frame.

Literature cited by the submitters: PubMed 28460491; PubMed 33342761.

NM_201253.3(CRB1):c.1055_1063del (p.Gly352_Cys354del)

Gene: CRB1 (crumbs cell polarity complex component 1; plus strand). Cytogenetic location: 1q31.3.
Variant type: Deletion.
Coding change: c.1055_1063del on transcript NM_201253.3 (MANE Select); coding-DNA positions 1055 to 1063, 9 bases deleted (GGGAATGTG; older notation c.1055_1063delGGGAATGTG).
Protein change: p.Gly352_Cys354del.
Molecular consequence: inframe deletion. On other transcripts: non-coding transcript variant (2).
Genome position (GRCh38, 1-based): chr1:197,356,897-197,356,905, GGGAATGTG deleted; deleting any 9 consecutive bases within chr1:197,356,895-197,356,905 gives the same sequence; the c. name uses the placement nearest the transcript's 3' end. VCF-style (leftmost placement, unchanged base first): chr1-197356894-ATGGGGAATG-A. GRCh37 (hg19) VCF-style: chr1-197326024-ATGGGGAATG-A.
Other names: c.719_727del, p.Gly240_Cys242del (NM_001193640.2); c.848_856del, p.Gly283_Cys285del (NM_001257965.2); c.1055_1063del, p.Gly352_Cys354del (NM_001257966.2).
Identifiers: ClinVar variation 2925300 (VCV002925300.3), dbSNP rs2527715700, ClinGen allele CA2586967859.
Genomic context (GRCh38, chr1:197,356,894, plus strand): 5'-ACACAGGTGCCCAGTGTGAGATCGACCTCAATGAATGCAATAGTAACCCCTGCCAGTCCA[ATGGGGAATG>A]TGTGGAGCTGTCCTCAGAGAAACAATATGGACGCATCACTGGACTGCCTTCTTCTTTCAG-3'